The following is an entry in ClinVar:

NM_001034853.2(RPGR):c.112del (p.Val38fs)

Gene: RPGR (retinitis pigmentosa GTPase regulator; minus strand).
Variant type: Deletion.
Coding change: c.112del on transcript NM_001034853.2 (MANE Select); coding-DNA position 112, one base deleted.
Protein change: p.Val38fs; shifts the reading frame from valine 38.
Molecular consequence: frameshift variant. On other transcripts: non-coding transcript variant (6).
Other names: NM_001034853.2:c.112del; c.112del, p.Val38fs (NM_000328.3, NM_001367245.1, NM_001367246.1 and 4 more transcripts); c.142del, p.Val48fs (NM_001367248.1); short protein forms V38fs, V48fs.
Identifiers: ClinVar variation 4686680 (VCV004686680.1).

ClinVar aggregate classification (germline): Likely pathogenic (3 of 4 stars; one submission).

Conditions:
RPGR-related retinopathy. Also called: RPGR retinopathy. Identifiers: MedGen CN305589, MONDO:0100437.

Submission:

ClinGen X-linked Inherited Retinal Disease Variant Curation Expert Panel, ClinGen
Classification: Likely pathogenic for RPGR-related retinopathy. Last evaluated: 2026-01-25. Review status: reviewed by expert panel. Criteria: ClinGen X LinkedIRD ACMG Specifications RPGR V1.0.0. Collection method: curation. Allele origin: germline. Inheritance: X-linked inheritance.
Comment: NM_001034853.2(RPGR):c.112del (p.Val38TyrfsTer30) is a frameshift variant due to a one-nucleotide deletion that introduces a premature stop codon in exon 2 of 15 that is predicted to trigger nonsense-mediated decay (PVS1). This variant is absent from gnomAD v4.1.0 (PM2_Supporting). This variant has been reported in at least 2 apparently unrelated probands (PMID: 32531858, PMID: 30105367). However, the number of individuals meeting one the PS4 requirements of some functional vision impairment in affected males by age 30 years, and/or decreased or absent electroretinogram responses was fewer than the requirement of at least 2 unrelated probands, so PS4_Supporting was not met. In summary, this variant is classified as likely pathogenic for RPGR-related retinopathy based on the ClinGen X-linked Inherited Retinal Disease Expert Panel Specifications to the ACMG/AMP Variant Interpretation Guidelines for RPGR Version 1.0.0; PVS1 and PM2_Supporting.